The following is an entry in ClinVar:

NM_001354712.2(THRB):c.959G>C (p.Arg320Pro)

Gene: THRB (thyroid hormone receptor beta; minus strand). Cytogenetic location: 3p24.2.
Variant type: single nucleotide variant.
Coding change: c.959G>C on transcript NM_001354712.2 (MANE Select); coding-DNA position 959, G replaced by C.
Protein change: p.Arg320Pro; replaces arginine 320 with proline.
Molecular consequence: missense variant.
Genome position (GRCh38, 1-based): chr3:24,127,684, C>G on the plus strand (G>C on the coding strand, the complement: THRB is on the minus strand). VCF-style: chr3-24127684-C-G. GRCh37 (hg19) VCF-style: chr3-24169175-C-G.
Other names: c.959G>C, p.Arg320Pro (NM_000461.5, NM_001128176.3, NM_001128177.2 and 12 more transcripts); c.866G>C, p.Arg289Pro (NM_001354714.2, NM_001354715.2); short protein forms R289P, R320P.
Identifiers: ClinVar variation 4682108 (VCV004682108.1).

ClinVar aggregate classification (germline): Likely pathogenic (1 of 4 stars; one submission).

Conditions:
Hyperthyroidism. Identifiers: MedGen C0020550, MONDO:0004425, HP:0000836.

Submission:

Cambridge Genomics Laboratory, East Genomic Laboratory Hub, NHS Genomic Medicine Service
Classification: Likely pathogenic for Hyperthyroidism. Last evaluated: 2026-01-09. Review status: criteria provided, single submitter. Criteria: ACGS Best Practice Guidelines for Variant Classification in Rare Disease 2020. Collection method: clinical testing. Allele origin: germline. Affected: yes.
Comment: PS4_Supporting,PM1_Supporting,PM2,PM5,PP3,PP4